The following is an entry in ClinVar:

NM_003738.5(PTCH2):c.877_883del (p.Trp293fs)

Gene: PTCH2 (patched 2; minus strand). Cytogenetic location: 1p34.1.
Variant type: Deletion.
Coding change: c.877_883del on transcript NM_003738.5 (MANE Select); coding-DNA positions 877 to 883, 7 bases deleted (TGGCAGG; older notation c.877_883delTGGCAGG).
Protein change: p.Trp293fs; shifts the reading frame from tryptophan 293.
Molecular consequence: frameshift variant.
Genome position (GRCh38, 1-based): chr1:44,829,961-44,829,967, CCTGCCA deleted on the plus strand (TGGCAGG on the coding strand, the reverse complement: PTCH2 is on the minus strand). VCF-style (leftmost placement, unchanged base first): chr1-44829960-TCCTGCCA-T. GRCh37 (hg19) VCF-style: chr1-45295632-TCCTGCCA-T.
Other names: c.877_883del, p.Trp293fs (NM_001166292.2); short protein forms W293fs.
Identifiers: ClinVar variation 4710596 (VCV004710596.1).

ClinVar aggregate classification (germline): Uncertain significance (1 of 4 stars; one submission).

Conditions:
Gorlin syndrome. Also called: Nevoid Basal Cell Carcinoma Syndrome; Basal cell nevus syndrome. Identifiers: Orphanet 377, MedGen C0004779, MONDO:0007187.

Submission:

Labcorp Genetics (formerly Invitae), Labcorp
Classification: Uncertain significance for Gorlin syndrome. Last evaluated: 2025-12-29. Review status: criteria provided, single submitter. Criteria: Invitae Variant Classification Sherloc (09022015). Collection method: clinical testing. Allele origin: germline.
Comment: This sequence change creates a premature translational stop signal (p.Trp293Argfs*17) in the PTCH2 gene. It is expected to result in an absent or disrupted protein product. However, the current clinical and genetic evidence is not sufficient to establish whether loss-of-function variants in PTCH2 cause disease. This variant is not present in population databases (gnomAD no frequency). This variant has not been reported in the literature in individuals affected with PTCH2-related conditions. Algorithms developed to predict the effect of sequence changes on RNA splicing suggest that this variant may disrupt the consensus splice site. In summary, the available evidence is currently insufficient to determine the role of this variant in disease. Therefore, it has been classified as a Variant of Uncertain Significance.